The following is an entry in ClinVar:

ClinVar aggregate classification (germline): Conflicting classifications of pathogenicity. Review status: criteria provided, conflicting classifications (1 of 4 stars). 2 submissions from 2 submitters: Uncertain significance (1); Likely benign (1). Last evaluated 2025-12-19.

Conditions:
Amyotrophic lateral sclerosis type 21. Also called: VOCAL CORD AND PHARYNGEAL DYSFUNCTION WITH DISTAL MYOPATHY; MYOPATHY, DISTAL, 2. Identifiers: Orphanet 600, Orphanet 803, MedGen C3807521, MONDO:0011632, OMIM 606070.

Submissions (2):

Labcorp Genetics (formerly Invitae), Labcorp
Classification: Likely benign for Amyotrophic lateral sclerosis type 21. Last evaluated: 2025-12-19. Review status: criteria provided, single submitter. Criteria: Invitae Variant Classification Sherloc (09022015). Collection method: clinical testing. Allele origin: germline.

Dasa
Classification: Uncertain significance. Last evaluated: 2025-07-31. Review status: criteria provided, single submitter. Criteria: DASA Assertion Criteria. Collection method: clinical testing. Allele origin: germline.
Comment: NM_018834.6(MATR3):c.1603-7_1603-4del is a splice-region variant. This variant is rare in population databases. The currently available literature and clinical evidence are not sufficient to establish a definitive association between this variant and the reported condition. Therefore, this variant is classified as a variant of uncertain significance.

NM_018834.6(MATR3):c.1603-7_1603-4del

Gene: MATR3 (matrin 3; plus strand). Cytogenetic location: 5q31.2.
Variant type: Deletion.
Coding change: c.1603-7_1603-4del on transcript NM_018834.6 (MANE Select); 7 bases into the intron before coding-DNA position 1603 through 4 bases into the intron before coding-DNA position 1603, 4 bases deleted (TTTT; older notation c.1603-7_1603-4delTTTT).
Molecular consequence: intron variant.
Genome position (GRCh38, 1-based): chr5:139,321,891-139,321,894, TTTT deleted; deleting any 4 consecutive bases within chr5:139,321,890-139,321,894 gives the same sequence; the c. name uses the placement nearest the transcript's 3' end. VCF-style (leftmost placement, unchanged base first): chr5-139321889-CTTTT-C. GRCh37 (hg19) VCF-style: chr5-138657578-CTTTT-C.
Other names: c.1603-7_1603-4del (NM_001400451.1, NM_001400450.1, NM_001400441.1 and 16 more transcripts); c.742-7_742-4del (NM_001400459.1); c.589-7_589-4del (NM_001400463.1, NM_001400460.1, NM_001282278.2 and 5 more transcripts); c.703-7_703-4del (NM_001400461.1); c.739-7_739-4del (NM_001194956.2).
Identifiers: ClinVar variation 2148987 (VCV002148987.6), dbSNP rs1321999401, ClinGen allele CA804611489.